The following is an entry in ClinVar:

ClinVar aggregate classification (germline): Likely benign. Review status: criteria provided, multiple submitters, no conflicts (2 of 4 stars). 3 submissions from 3 submitters: Likely benign (3). Last evaluated 2026-08-01.

Conditions:
KBG syndrome (KBGS). Also called: ANKRD11-Related KBG Syndrome. Identifiers: Orphanet 2332, MedGen C0220687, MONDO:0007846, OMIM 148050.

Allele frequency attached by ClinVar (database versions not stated): TOPMed 0.00001.
gnomAD v4.1: 3 of 1,611,340 alleles (0.00019%); highest among the groups gnomAD compares: Non-Finnish European, 0.00025%; no homozygotes.

Submissions (3):

CeGaT Center for Human Genetics Tuebingen
Classification: Likely benign. Last evaluated: 2026-08-01. Review status: criteria provided, single submitter. Criteria: CeGaT Center For Human Genetics Tuebingen Variant Classification Criteria Version 2. Collection method: clinical testing. Allele origin: germline. Affected: yes. Observed: 1 variant allele.
Comment: ANKRD11: BP4, BP7

Labcorp Genetics (formerly Invitae), Labcorp
Classification: Likely benign for KBG syndrome. Last evaluated: 2025-03-17. Review status: criteria provided, single submitter. Criteria: Invitae Variant Classification Sherloc (09022015). Collection method: clinical testing. Allele origin: germline.

Blueprint Genetics
Classification: Likely benign. Last evaluated: 2024-09-06. Review status: criteria provided, single submitter. Criteria: ACMG Guidelines, 2015. Collection method: clinical testing. Allele origin: germline.

NM_013275.6(ANKRD11):c.7701C>T (p.Pro2567=)

Gene: ANKRD11 (ankyrin repeat domain 11; minus strand). Cytogenetic location: 16q24.3.
Variant type: single nucleotide variant.
Coding change: c.7701C>T on transcript NM_013275.6 (MANE Select); coding-DNA position 7701, C replaced by T.
Protein change: p.Pro2567=; no amino-acid change (proline 2567 retained).
Molecular consequence: synonymous variant.
Genome position (GRCh38, 1-based): chr16:89,274,826, G>A on the plus strand (C>T on the coding strand, the complement: ANKRD11 is on the minus strand). VCF-style: chr16-89274826-G-A. GRCh37 (hg19) VCF-style: chr16-89341234-G-A.
Other names: c.7701C>T, p.Pro2567= (NM_001256182.2, NM_001256183.2).
Identifiers: ClinVar variation 1952181 (VCV001952181.7), dbSNP rs1358176391, ClinGen allele CA497167290.
Genomic context (GRCh38, chr16:89,274,826, plus strand): 5'-GGGTGCAGGCACTTGGACTCATGGGCCTGGCATGCAGACGGGCCCTACCTGGCTCTCCAG[G>A]GGCATGTTGTAGACCTCGGAGTCCAGCAGCATCGTGCAGGCGCTGAATGGCACTGCCTGG-3'
Protein context (NP_037407.4, residues 2557-2577): MLLDSEVYNM[Pro2567=]LESQGDENKS